The following is an entry in ClinVar:

NM_001270974.2(HYDIN):c.9084G>C (p.Gln3028His)

Gene: HYDIN (HYDIN axonemal central pair apparatus protein; minus strand). Cytogenetic location: 16q22.2.
Variant type: single nucleotide variant.
Coding change: c.9084G>C on transcript NM_001270974.2 (MANE Select); coding-DNA position 9084, G replaced by C.
Protein change: p.Gln3028His; replaces glutamine 3028 with histidine.
Molecular consequence: missense variant.
Genome position (GRCh38, 1-based): chr16:70,896,045, C>G on the plus strand (G>C on the coding strand, the complement: HYDIN is on the minus strand). VCF-style: chr16-70896045-C-G. GRCh37 (hg19) VCF-style: chr16-70929948-C-G.
Other names: short protein forms Q3028H.
Identifiers: ClinVar variation 3389365 (VCV003389365.14).

ClinVar aggregate classification (germline): Uncertain significance (1 of 4 stars; one submission).

gnomAD v4.1: 4 of 1,612,956 alleles (0.00025%); highest among the groups gnomAD compares: Admixed American, 0.005%; no homozygotes.

Submission:

CeGaT Center for Human Genetics Tuebingen
Classification: Uncertain significance. Last evaluated: 2024-09-01. Review status: criteria provided, single submitter. Criteria: CeGaT Center For Human Genetics Tuebingen Variant Classification Criteria Version 2. Collection method: clinical testing. Allele origin: germline. Affected: yes. Observed: 1 variant allele.
Comment: HYDIN: PM2, BP4